The following is an entry in ClinVar:

ClinVar aggregate classification (germline): Uncertain significance (1 of 4 stars; one submission).

Allele frequency attached by ClinVar (database versions not stated): TOPMed 0.00005; gnomAD 0.00006 and 0.00007; gnomAD exomes 0.00014.
gnomAD v4.1: 120 of 1,548,772 alleles (0.0077%); highest among the groups gnomAD compares: South Asian, 0.075%; 5 homozygotes.

Submission:

Labcorp Genetics (formerly Invitae), Labcorp
Classification: Uncertain significance. Last evaluated: 2024-10-05. Review status: criteria provided, single submitter. Criteria: Invitae Variant Classification Sherloc (09022015). Collection method: clinical testing. Allele origin: germline.
Comment: This sequence change replaces glycine, which is neutral and non-polar, with serine, which is neutral and polar, at codon 211 of the WDR4 protein (p.Gly211Ser). This variant is present in population databases (rs373199747, gnomAD 0.08%). This variant has not been reported in the literature in individuals affected with WDR4-related conditions. ClinVar contains an entry for this variant (Variation ID: 1395946). Invitae Evidence Modeling of protein sequence and biophysical properties (such as structural, functional, and spatial information, amino acid conservation, physicochemical variation, residue mobility, and thermodynamic stability) indicates that this missense variant is not expected to disrupt WDR4 protein function with a negative predictive value of 80%. In summary, the available evidence is currently insufficient to determine the role of this variant in disease. Therefore, it has been classified as a Variant of Uncertain Significance.

NM_018669.6(WDR4):c.631G>A (p.Gly211Ser)

Gene: WDR4 (WDR4 tRNA N7-guanosine methyltransferase non-catalytic subunit; minus strand). Cytogenetic location: 21q22.3.
Variant type: single nucleotide variant.
Coding change: c.631G>A on transcript NM_018669.6 (MANE Select); coding-DNA position 631, G replaced by A.
Protein change: p.Gly211Ser; replaces glycine 211 with serine.
Molecular consequence: missense variant. On other transcripts: non-coding transcript variant (1).
Genome position (GRCh38, 1-based): chr21:42,855,777, C>T on the plus strand (G>A on the coding strand, the complement: WDR4 is on the minus strand). VCF-style: chr21-42855777-C-T. GRCh37 (hg19) VCF-style: chr21-44275887-C-T.
Other names: c.631G>A, p.Gly211Ser (NM_001260474.2, NM_033661.5); c.193G>A, p.Gly65Ser (NM_001260475.2, NM_001260476.2, NM_001260477.2); short protein forms G211S, G65S.
Identifiers: ClinVar variation 1395946 (VCV001395946.4), dbSNP rs373199747, ClinGen allele CA10046002.